The following is an entry in ClinVar:

NM_001009944.3(PKD1):c.8225A>G (p.Glu2742Gly)

Gene: PKD1 (polycystin 1, transient receptor potential channel interacting; minus strand). Cytogenetic location: 16p13.3.
Variant type: single nucleotide variant.
Coding change: c.8225A>G on transcript NM_001009944.3 (MANE Select); coding-DNA position 8225, A replaced by G.
Protein change: p.Glu2742Gly; replaces glutamic acid 2742 with glycine.
Molecular consequence: missense variant.
Genome position (GRCh38, 1-based): chr16:2,103,832, T>C on the plus strand (A>G on the coding strand, the complement: PKD1 is on the minus strand). VCF-style: chr16-2103832-T-C. GRCh37 (hg19) VCF-style: chr16-2153833-T-C.
Other names: c.8225A>G, p.Glu2742Gly (NM_000296.4); short protein forms E2742G.
Identifiers: ClinVar variation 4070698 (VCV004070698.2).

ClinVar aggregate classification (germline): Uncertain significance (1 of 4 stars; one submission).

Submission:

GeneDx
Classification: Uncertain significance. Last evaluated: 2026-03-06. Review status: criteria provided, single submitter. Criteria: GeneDx Variant Classification Process June 2021. Collection method: clinical testing. Allele origin: germline.
Comment: Not observed at significant frequency in large population cohorts (gnomAD); In silico analysis indicates that this missense variant does not alter protein structure/function; Has not been previously published as pathogenic or benign to our knowledge